The following is an entry in ClinVar:

NM_000093.5(COL5A1):c.3582+4A>C

Gene: COL5A1 (collagen type V alpha 1 chain; plus strand). Cytogenetic location: 9q34.3.
Variant type: single nucleotide variant.
Coding change: c.3582+4A>C on transcript NM_000093.5 (MANE Select); 4 bases into the intron after coding-DNA position 3582, A replaced by C.
Molecular consequence: intron variant.
Genome position (GRCh38, 1-based): chr9:134,811,396, A>C. VCF-style: chr9-134811396-A-C. GRCh37 (hg19) VCF-style: chr9-137703242-A-C.
Other names: c.3582+4A>C (NM_001278074.1).
Identifiers: ClinVar variation 424438 (VCV000424438.2), dbSNP rs1064796967, ClinGen allele CA16618787.

ClinVar aggregate classification (germline): Uncertain significance (1 of 4 stars; one submission).

Submission:

GeneDx
Classification: Uncertain significance. Last evaluated: 2017-03-24. Review status: criteria provided, single submitter. Criteria: GeneDx Variant Classification (06012015). Collection method: clinical testing. Allele origin: germline. Affected: yes.
Comment: The c.3582+4A>C variant in the COL5A1 gene has not been reported previously as a pathogenic variant nor as a benign variant, to our knowledge. This variant reduces the quality of the splice donor site in intron 45, and is expected to cause abnormal gene splicing. The c.3582+4A>C variant is not observed in large population cohorts (Lek et al., 2016; 1000 Genomes Consortium et al., 2015; Exome Variant Server). We interpret c.3582+4A>C as a variant of uncertain significance.